The following is an entry in ClinVar:

NM_020921.4(NIN):c.1684C>T (p.Arg562Cys)

Gene: NIN (ninein; minus strand). Cytogenetic location: 14q22.1.
Variant type: single nucleotide variant.
Coding change: c.1684C>T on transcript NM_020921.4 (MANE Select); coding-DNA position 1684, C replaced by T.
Protein change: p.Arg562Cys; replaces arginine 562 with cysteine.
Molecular consequence: missense variant.
Genome position (GRCh38, 1-based): chr14:50,763,916, G>A on the plus strand (C>T on the coding strand, the complement: NIN is on the minus strand). VCF-style: chr14-50763916-G-A. GRCh37 (hg19) VCF-style: chr14-51230634-G-A.
Other names: c.1684C>T, p.Arg562Cys (NM_016350.5, NM_182944.3, NM_182946.2); short protein forms R562C.
Identifiers: ClinVar variation 4805462 (VCV004805462.1).

ClinVar aggregate classification (germline): Uncertain significance (1 of 4 stars; one submission).

Submission:

Labcorp Genetics (formerly Invitae), Labcorp
Classification: Uncertain significance. Last evaluated: 2025-07-27. Review status: criteria provided, single submitter. Criteria: Invitae Variant Classification Sherloc (09022015). Collection method: clinical testing. Allele origin: germline.
Comment: This sequence change replaces arginine, which is basic and polar, with cysteine, which is neutral and slightly polar, at codon 562 of the NIN protein (p.Arg562Cys). This variant is present in population databases (rs766092666, gnomAD 0.007%). This variant has not been reported in the literature in individuals affected with NIN-related conditions. An algorithm developed to predict the effect of missense changes on protein structure and function (PolyPhen-2) suggests that this variant is likely to be disruptive. In summary, the available evidence is currently insufficient to determine the role of this variant in disease. Therefore, it has been classified as a Variant of Uncertain Significance.